The following is an entry in ClinVar:

NM_004333.6(BRAF):c.1140+475G>T

Genes: BRAF (B-Raf proto-oncogene, serine/threonine kinase; minus strand), LOC126860202 (BRD4-independent group 4 enhancer GRCh37_chr7:140493623-140494822; plus strand). Cytogenetic location: 7q34.
Variant type: single nucleotide variant.
Coding change: c.1140+475G>T on transcript NM_004333.6 (MANE Select); 475 bases into the intron after coding-DNA position 1140, G replaced by T.
Molecular consequence: intron variant.
Genome position (GRCh38, 1-based): chr7:140,793,833, C>A on the plus strand (G>T on the coding strand, the complement: BRAF is on the minus strand). VCF-style: chr7-140793833-C-A. GRCh37 (hg19) VCF-style: chr7-140493633-C-A.
Other names: c.1140+475G>T (NM_001378474.1, NM_001378471.1, NM_001378468.1 and 4 more transcripts); c.1038+475G>T (NM_001378470.1); c.876+475G>T (NM_001378475.1); c.1149+475G>T (NM_001378467.1); c.984+475G>T (NM_001378472.1, NM_001378473.1).
Identifiers: ClinVar variation 2658068 (VCV002658068.24), dbSNP rs140236652, ClinGen allele CA168100416.
Genomic context (GRCh38, chr7:140,793,833, plus strand): 5'-GCCTCACCATGCATGGCTAATTTGTTTTACTTTTGGTAGAGATGGGGTCTCACTATGTTG[C>A]CTAGGCTGGTCTCTAACTTCTGGGTCAAGCGTTCCACCCATCTTGGCCTCCCAAAGTGTT-3'

ClinVar aggregate classification (germline): Benign (1 of 4 stars; one submission).

Allele frequency attached by ClinVar (database versions not stated): 1000 Genomes Project 0.00160; 1000 Genomes Project 30x 0.00219; gnomAD 0.00285; TOPMed 0.00302.
gnomAD v4.1: 439 of 152,238 alleles (0.29%); highest among the groups gnomAD compares: Admixed American, 0.42%; 1 homozygote.

Submission:

CeGaT Center for Human Genetics Tuebingen
Classification: Benign. Last evaluated: 2024-11-01. Review status: criteria provided, single submitter. Criteria: CeGaT Center For Human Genetics Tuebingen Variant Classification Criteria Version 2. Collection method: clinical testing. Allele origin: germline. Affected: yes. Observed: 12 variant alleles.
Comment: BRAF: BS1, BS2